The following is an entry in ClinVar:

ClinVar aggregate classification (germline): Likely pathogenic (1 of 4 stars; one submission).

Conditions:
Fanconi anemia complementation group A (FANCA). Also called: Fanconi anemia, group A; FANCA-Related Fanconi Anemia. Identifiers: Orphanet 84, MedGen C3469521, MONDO:0009215, OMIM 227650.

Submission:

Myriad Genetics, Inc.
Classification: Likely pathogenic for Fanconi anemia complementation group A. Last evaluated: 2019-05-03. Review status: criteria provided, single submitter. Criteria: Myriad Women's Health Autosomal Recessive and X-Linked Classification Criteria (2019). Collection method: clinical testing. Allele origin: unknown.
Comment: NM_000135.2(FANCA):c.1585G>T(G529*) is expected to be pathogenic in the context of Fanconi anemia complementation group A. This variant is predicted to lead to an abnormal or absent protein product due to the creation of a premature termination codon in FANCA, a gene where loss-of-function variants are known to be pathogenic. Please note: this variant was assessed in the context of healthy population screening.

NM_000135.4(FANCA):c.1585G>T (p.Gly529Ter)

Gene: FANCA (FA complementation group A; minus strand). Cytogenetic location: 16q24.3.
Variant type: single nucleotide variant.
Coding change: c.1585G>T on transcript NM_000135.4 (MANE Select); coding-DNA position 1585, G replaced by T.
Protein change: p.Gly529Ter; replaces glycine 529 with a stop codon.
Molecular consequence: nonsense.
Genome position (GRCh38, 1-based): chr16:89,782,900, C>A on the plus strand (G>T on the coding strand, the complement: FANCA is on the minus strand). VCF-style: chr16-89782900-C-A. GRCh37 (hg19) VCF-style: chr16-89849308-C-A.
Other names: c.1585G>T, p.Gly529Ter (NM_001286167.3); short protein forms G529*.
Identifiers: ClinVar variation 983794 (VCV000983794.3), dbSNP rs2039768709, ClinGen allele CA397457998.